The following is an entry in ClinVar:

ClinVar aggregate classification (germline): Uncertain significance. Review status: criteria provided, multiple submitters, no conflicts (2 of 4 stars). 2 submissions from 2 submitters: Uncertain significance (2). Last evaluated 2025-08-02.

Conditions:
Hereditary cancer-predisposing syndrome. Also called: Hereditary neoplastic syndrome; Tumor predisposition; Hereditary Cancer Syndrome; Neoplastic Syndromes, Hereditary. Identifiers: Orphanet 140162, MedGen C0027672, MeSH D009386, MONDO:0015356.
Gastrointestinal stromal tumor. Also called: Gastrointestinal stroma tumor; Gastrointestinal stromal tumor, somatic. Identifiers: Orphanet 44890, MedGen C0238198, MeSH D046152, MONDO:0011719, OMIM 606764, HP:0100723.

Submissions (3):

Labcorp Genetics (formerly Invitae), Labcorp
Classification: Uncertain significance for Gastrointestinal stromal tumor. Last evaluated: 2025-08-02. Review status: criteria provided, single submitter. Criteria: Invitae Variant Classification Sherloc (09022015). Collection method: clinical testing. Allele origin: germline.
Comment: This sequence change replaces lysine, which is basic and polar, with arginine, which is basic and polar, at codon 994 of the PDGFRA protein (p.Lys994Arg). This variant is not present in population databases (gnomAD no frequency). This variant has not been reported in the literature in individuals affected with PDGFRA-related conditions. ClinVar contains an entry for this variant (Variation ID: 1466007). Invitae Evidence Modeling of protein sequence and biophysical properties (such as structural, functional, and spatial information, amino acid conservation, physicochemical variation, residue mobility, and thermodynamic stability) indicates that this missense variant is not expected to disrupt PDGFRA protein function with a negative predictive value of 80%. In summary, the available evidence is currently insufficient to determine the role of this variant in disease. Therefore, it has been classified as a Variant of Uncertain Significance.

Ambry Genetics
Classification: Uncertain significance for Hereditary cancer-predisposing syndrome. Last evaluated: 2022-03-14. Review status: criteria provided, single submitter. Criteria: Ambry Variant Classification Scheme 2023. Collection method: clinical testing. Allele origin: germline.
Comment: The p.K994R variant (also known as c.2981A>G), located in coding exon 21 of the PDGFRA gene, results from an A to G substitution at nucleotide position 2981. The lysine at codon 994 is replaced by arginine, an amino acid with highly similar properties. This amino acid position is conserved. In addition, this alteration is predicted to be tolerated by in silico analysis. Since supporting evidence is limited at this time, the clinical significance of this alteration remains unclear.

Dr. Peter K. Rogan Lab, Western University
No classification provided (evidence only). Condition: Ovarian serous cystadenocarcinoma. Review status: no classification provided. Collection method: in vitro. Allele origin: not applicable. Functional consequence: retained intron. Not counted in ClinVar's aggregate classification.

NM_006206.6(PDGFRA):c.2981A>G (p.Lys994Arg)

Gene: PDGFRA (platelet derived growth factor receptor alpha; plus strand). Cytogenetic location: 4q12.
Variant type: single nucleotide variant.
Coding change: c.2981A>G on transcript NM_006206.6 (MANE Select); coding-DNA position 2981, A replaced by G.
Protein change: p.Lys994Arg; replaces lysine 994 with arginine.
Molecular consequence: missense variant.
Genome position (GRCh38, 1-based): chr4:54,290,413, A>G. VCF-style: chr4-54290413-A-G. GRCh37 (hg19) VCF-style: chr4-55156580-A-G.
Other names: c.3056A>G, p.Lys1019Arg (NM_001347828.2); c.2981A>G, p.Lys994Arg (NM_001347829.2); c.3020A>G, p.Lys1007Arg (NM_001347830.2); short protein forms K994R, K1007R, K1019R.
Identifiers: ClinVar variation 1466007 (VCV001466007.11), dbSNP rs2110348511, ClinGen allele CA356896117.